The following is an entry in ClinVar:

NM_000179.3(MSH6):c.3788dup (p.Leu1264fs)

Gene: MSH6 (mutS homolog 6; plus strand). Cytogenetic location: 2p16.3.
Variant type: Duplication.
Coding change: c.3788dup on transcript NM_000179.3 (MANE Select); coding-DNA position 3788, one base duplicated (G; older notation c.3788dupG).
Protein change: p.Leu1264fs; shifts the reading frame from leucine 1264.
Molecular consequence: frameshift variant.
Genome position (GRCh38, 1-based): chr2:47,806,345, G duplicated. VCF-style (leftmost placement, unchanged base first): chr2-47806344-C-CG. GRCh37 (hg19) VCF-style: chr2-48033483-C-CG.
Other names: c.3398dup, p.Leu1134fs (NM_001281492.2); c.2882dup, p.Leu962fs (NM_001281493.2, NM_001281494.2); c.3884dup, p.Leu1296Profs (NM_001406795.1, NM_001406802.1); c.3788dup, p.Leu1264Profs (NM_001406796.1, NM_001406800.1, NM_001406808.1 and 1 more transcripts); c.3491dup, p.Leu1165Profs (NM_001406797.1, NM_001406801.1, NM_001406805.1 and 10 more transcripts); c.3614dup, p.Leu1206Profs (NM_001406798.1); c.3263dup, p.Leu1089Profs (NM_001406799.1, NM_001406806.1, NM_001406807.1); c.2924dup, p.Leu976Profs (NM_001406803.1); and 9 more; short protein forms L962fs, L1134fs, L1264fs.
Identifiers: ClinVar variation 1734900 (VCV001734900.5), dbSNP rs2530848969, ClinGen allele CA2580067337.
Genomic context (GRCh38, chr2:47,806,344, plus strand): 5'-ACATTATTTTCAACTCACTACCATTCATTAGTAGAAGATTATTCTCAAAATGTTGCTGTG[C>CG]GCCTAGGACATATGGTATGTGCAAATTGTTTTTTTCCACAAATTCGGTTTTTTGAGAGGG-3'

ClinVar aggregate classification (germline): Pathogenic. Review status: criteria provided, multiple submitters, no conflicts (2 of 4 stars). 3 submissions from 3 submitters: Pathogenic (3). Last evaluated 2025-01-23.

Conditions:
Hereditary nonpolyposis colorectal neoplasms. Identifiers: MedGen C0009405, MeSH D003123.
Hereditary cancer-predisposing syndrome. Also called: Neoplastic Syndromes, Hereditary; Tumor predisposition; Hereditary Cancer Syndrome; Hereditary neoplastic syndrome. Identifiers: Orphanet 140162, MedGen C0027672, MeSH D009386, MONDO:0015356.
Lynch syndrome 5 (LYNCH5). Also called: Colorectal cancer, hereditary nonpolyposis, type 5; Hereditary non-polyposis colorectal cancer, type 5. Identifiers: Orphanet 144, MedGen C1833477, MONDO:0013710, OMIM 614350. Disease mechanism: loss of function.

Submissions (3):

Labcorp Genetics (formerly Invitae), Labcorp
Classification: Pathogenic for Hereditary nonpolyposis colorectal neoplasms. Last evaluated: 2025-01-23. Review status: criteria provided, single submitter. Criteria: Invitae Variant Classification Sherloc (09022015). Collection method: clinical testing. Allele origin: germline.
Comment: This sequence change creates a premature translational stop signal (p.Leu1264Profs*11) in the MSH6 gene. It is expected to result in an absent or disrupted protein product. Loss-of-function variants in MSH6 are known to be pathogenic (PMID: 18269114, 24362816). This variant is not present in population databases (gnomAD no frequency). This variant has not been reported in the literature in individuals affected with MSH6-related conditions. ClinVar contains an entry for this variant (Variation ID: 1734900). For these reasons, this variant has been classified as Pathogenic.

Myriad Genetics, Inc.
Classification: Pathogenic for Lynch syndrome 5. Last evaluated: 2023-08-25. Review status: criteria provided, single submitter. Criteria: Myriad Autosomal Dominant, Autosomal Recessive and X-Linked Classification Criteria (2023). Collection method: clinical testing. Allele origin: unknown.
Comment: This variant is considered pathogenic. This variant creates a frameshift predicted to result in premature protein truncation.

Ambry Genetics
Classification: Pathogenic for Hereditary cancer-predisposing syndrome. Last evaluated: 2022-03-21. Review status: criteria provided, single submitter. Criteria: Ambry Variant Classification Scheme 2023. Collection method: clinical testing. Allele origin: germline.
Comment: The c.3788dupG pathogenic mutation, located in coding exon 8 of the MSH6 gene, results from a duplication of G at nucleotide position 3788, causing a translational frameshift with a predicted alternate stop codon (p.L1264Pfs*11). This variant is considered to be rare based on population cohorts in the Genome Aggregation Database (gnomAD). This alteration is expected to result in loss of function by premature protein truncation or nonsense-mediated mRNA decay. As such, this alteration is interpreted as a disease-causing mutation.

Literature cited by the submitters: PubMed 18269114 (cited by Labcorp Genetics (formerly Invitae), Labcorp); PubMed 24362816 (cited by Labcorp Genetics (formerly Invitae), Labcorp).